The following is an entry in ClinVar:

NM_000092.5(COL4A4):c.502del (p.Glu168fs)

Gene: COL4A4 (collagen type IV alpha 4 chain; minus strand). Cytogenetic location: 2q36.3.
Variant type: Deletion.
Coding change: c.502del on transcript NM_000092.5 (MANE Select); coding-DNA position 502, one base deleted (G; older notation c.502delG).
Protein change: p.Glu168fs; shifts the reading frame from glutamic acid 168.
Molecular consequence: frameshift variant.
Genome position (GRCh38, 1-based): chr2:227,114,684, C deleted on the plus strand (G on the coding strand, the reverse complement: COL4A4 is on the minus strand); the first of 4 consecutive C bases (chr2:227,114,684-227,114,687); deleting any one gives the same sequence. VCF-style (leftmost placement, unchanged base first): chr2-227114683-TC-T. GRCh37 (hg19) VCF-style: chr2-227979399-TC-T.
Other names: c.502delG (NM_000092.4); short protein forms E168fs.
Identifiers: ClinVar variation 3147606 (VCV003147606.1), dbSNP rs2475995676, ClinGen allele CA2825001093.

ClinVar aggregate classification (germline): Pathogenic (1 of 4 stars; one submission).

Conditions:
Inborn genetic diseases. Identifiers: MedGen C0950123, MeSH D030342.

Submission:

Ambry Genetics
Classification: Pathogenic for Inborn genetic diseases. Last evaluated: 2024-02-21. Review status: criteria provided, single submitter. Criteria: Ambry Variant Classification Scheme 2023. Collection method: clinical testing. Allele origin: germline.
Comment: The c.502delG (p.E168Kfs*12) alteration, located in exon 8 (coding exon 7) of the COL4A4 gene, consists of a deletion of one nucleotide at position 502, causing a translational frameshift with a predicted alternate stop codon after 12 amino acids. This alteration is expected to result in loss of function by premature protein truncation or nonsense-mediated mRNA decay. This variant was not reported in population-based cohorts in the Genome Aggregation Database (gnomAD). Based on the available evidence, this alteration is classified as pathogenic.